The following is an entry in ClinVar:

NM_139321.3(ATRN):c.427G>A (p.Gly143Arg)

Gene: ATRN (attractin; plus strand). Cytogenetic location: 20p13.
Variant type: single nucleotide variant.
Coding change: c.427G>A on transcript NM_139321.3 (MANE Select); coding-DNA position 427, G replaced by A.
Protein change: p.Gly143Arg; replaces glycine 143 with arginine.
Molecular consequence: missense variant.
Genome position (GRCh38, 1-based): chr20:3,535,269, G>A. VCF-style: chr20-3535269-G-A. GRCh37 (hg19) VCF-style: chr20-3515916-G-A.
Other names: c.79G>A, p.Gly27Arg (NM_001207047.3); c.427G>A, p.Gly143Arg (NM_001323332.2, NM_139322.4); short protein forms G27R, G143R.
Identifiers: ClinVar variation 3652740 (VCV003652740.2).

ClinVar aggregate classification (germline): Uncertain significance (1 of 4 stars; one submission).

Submission:

Labcorp Genetics (formerly Invitae), Labcorp
Classification: Uncertain significance. Last evaluated: 2024-07-02. Review status: criteria provided, single submitter. Criteria: Invitae Variant Classification Sherloc (09022015). Collection method: clinical testing. Allele origin: germline.
Comment: This sequence change replaces glycine, which is neutral and non-polar, with arginine, which is basic and polar, at codon 143 of the ATRN protein (p.Gly143Arg). This variant is not present in population databases (gnomAD no frequency). This variant has not been reported in the literature in individuals affected with ATRN-related conditions. An algorithm developed to predict the effect of missense changes on protein structure and function (PolyPhen-2) suggests that this variant is likely to be disruptive. In summary, the available evidence is currently insufficient to determine the role of this variant in disease. Therefore, it has been classified as a Variant of Uncertain Significance.